The following is an entry in ClinVar:

ClinVar aggregate classification (germline): Uncertain significance. Review status: criteria provided, multiple submitters, no conflicts (2 of 4 stars). 2 submissions from 2 submitters: Uncertain significance (2). Last evaluated 2025-11-20.

Conditions:
Hereditary cancer-predisposing syndrome. Also called: Hereditary neoplastic syndrome; Neoplastic Syndromes, Hereditary; Tumor predisposition; Hereditary Cancer Syndrome. Identifiers: Orphanet 140162, MedGen C0027672, MeSH D009386, MONDO:0015356.
POLD1-related polyposis and colorectal cancer syndrome (CRCS10). Also called: Colorectal cancer, susceptibility to, 10; Colorectal cancer 10; COLORECTAL CANCER, SUSCEPTIBILITY TO, ON CHROMOSOME 19q. Identifiers: Orphanet 220460, MedGen C2675481, MONDO:0012953, OMIM 612591.

Submissions (2):

Labcorp Genetics (formerly Invitae), Labcorp
Classification: Uncertain significance for POLD1-related polyposis and colorectal cancer syndrome. Last evaluated: 2025-11-20. Review status: criteria provided, single submitter. Criteria: Invitae Variant Classification Sherloc (09022015). Collection method: clinical testing. Allele origin: germline.
Comment: This sequence change creates a premature translational stop signal (p.Pro916Argfs*32) in the POLD1 gene. It is expected to result in an absent or disrupted protein product. However, the current clinical and genetic evidence is not sufficient to establish whether loss-of-function variants in POLD1 cause disease. This variant is not present in population databases (gnomAD no frequency). This variant has not been reported in the literature in individuals affected with POLD1-related conditions. ClinVar contains an entry for this variant (Variation ID: 4141028). In summary, the available evidence is currently insufficient to determine the role of this variant in disease. Therefore, it has been classified as a Variant of Uncertain Significance.

Ambry Genetics
Classification: Uncertain significance for Hereditary cancer-predisposing syndrome. Last evaluated: 2025-09-09. Review status: criteria provided, single submitter. Criteria: Ambry Variant Classification Scheme 2023. Collection method: clinical testing. Allele origin: germline.
Comment: The c.2747_2763del17 variant, located in coding exon 21 of the POLD1 gene, results from a deletion of 17 nucleotides at nucleotide positions 2747 to 2763, causing a translational frameshift with a predicted alternate stop codon (p.P916Rfs*32). This alteration is expected to result in loss of function by premature protein truncation or nonsense-mediated mRNA decay. However, loss of function has not been established as a mechanism of disease. Based on the available evidence, the clinical significance of this variant remains unclear.

NM_002691.4(POLD1):c.2747_2763del (p.Pro916fs)

Gene: POLD1 (DNA polymerase delta 1, catalytic subunit; plus strand). Cytogenetic location: 19q13.33.
Variant type: Deletion.
Coding change: c.2747_2763del on transcript NM_002691.4 (MANE Select); coding-DNA positions 2747 to 2763, 17 bases deleted (CCAGCCTGGGCGACCGC).
Protein change: p.Pro916fs; shifts the reading frame from proline 916.
Molecular consequence: frameshift variant.
Genome position (GRCh38, 1-based): chr19:50,415,753-50,415,769, CCAGCCTGGGCGACCGC deleted; deleting any 17 consecutive bases within chr19:50,415,750-50,415,769 gives the same sequence; the c. name uses the placement nearest the transcript's 3' end. VCF-style (leftmost placement, unchanged base first): chr19-50415749-GCGCCCAGCCTGGGCGAC-G. GRCh37 (hg19) VCF-style: chr19-50919006-GCGCCCAGCCTGGGCGAC-G.
Other names: c.2675_2691del, p.Pro892fs (NM_001438211.1, NM_001438210.1); c.2747_2763del, p.Pro916fs (NM_001438212.1, NM_001438213.1, NM_001256849.1); c.2825_2841del, p.Pro942fs (NM_001308632.1); short protein forms P892fs, P916fs, P942fs.
Identifiers: ClinVar variation 4141028 (VCV004141028.2).